The following is an entry in ClinVar:

NM_002693.3(POLG):c.3214A>T (p.Thr1072Ser)

Gene: POLG (DNA polymerase gamma, catalytic subunit; minus strand). Cytogenetic location: 15q26.1.
Variant type: single nucleotide variant.
Coding change: c.3214A>T on transcript NM_002693.3 (MANE Select); coding-DNA position 3214, A replaced by T.
Protein change: p.Thr1072Ser; replaces threonine 1072 with serine.
Molecular consequence: missense variant.
Genome position (GRCh38, 1-based): chr15:89,318,990, T>A on the plus strand (A>T on the coding strand, the complement: POLG is on the minus strand). VCF-style: chr15-89318990-T-A. GRCh37 (hg19) VCF-style: chr15-89862221-T-A.
Other names: c.3214A>T, p.Thr1072Ser (NM_001126131.2); short protein forms T1072S.
Identifiers: ClinVar variation 1372632 (VCV001372632.8), dbSNP rs1237483748, ClinGen allele CA393750627.

ClinVar aggregate classification (germline): Uncertain significance (1 of 4 stars; one submission).

Conditions:
Progressive sclerosing poliodystrophy (MTDPS4A). Also called: Mitochondrial DNA depletion syndrome 4A (Alpers type); ALPERS PROGRESSIVE INFANTILE POLIODYSTROPHY; NEURONAL DEGENERATION OF CHILDHOOD WITH LIVER DISEASE, PROGRESSIVE; Mitochondrial DNA Depletion Syndrome 4A; Alpers-Huttenlocher Syndrome (AHS); Alpers Syndrome. Identifiers: Orphanet 726, MedGen C0205710, MONDO:0008758, OMIM 203700.

Allele frequency attached by ClinVar (database versions not stated): gnomAD exomes below 0.00001.
gnomAD v4.1: 1 of 1,614,038 alleles (0.000062%); highest among the groups gnomAD compares: South Asian, 0.0011%; no homozygotes.

Submission:

Labcorp Genetics (formerly Invitae), Labcorp
Classification: Uncertain significance for Progressive sclerosing poliodystrophy. Last evaluated: 2024-11-11. Review status: criteria provided, single submitter. Criteria: Invitae Variant Classification Sherloc (09022015). Collection method: clinical testing. Allele origin: germline.
Comment: This sequence change replaces threonine, which is neutral and polar, with serine, which is neutral and polar, at codon 1072 of the POLG protein (p.Thr1072Ser). This variant is present in population databases (no rsID available, gnomAD 0.003%). This variant has not been reported in the literature in individuals affected with POLG-related conditions. ClinVar contains an entry for this variant (Variation ID: 1372632). Invitae Evidence Modeling of protein sequence and biophysical properties (such as structural, functional, and spatial information, amino acid conservation, physicochemical variation, residue mobility, and thermodynamic stability) indicates that this missense variant is expected to disrupt POLG protein function with a positive predictive value of 95%. In summary, the available evidence is currently insufficient to determine the role of this variant in disease. Therefore, it has been classified as a Variant of Uncertain Significance.